The following is an entry in ClinVar:

ClinVar aggregate classification (germline): Uncertain significance (1 of 4 stars; one submission).

Submission:

Labcorp Genetics (formerly Invitae), Labcorp
Classification: Uncertain significance. Last evaluated: 2023-06-13. Review status: criteria provided, single submitter. Criteria: Invitae Variant Classification Sherloc (09022015). Collection method: clinical testing. Allele origin: germline.
Comment: In summary, the available evidence is currently insufficient to determine the role of this variant in disease. Therefore, it has been classified as a Variant of Uncertain Significance. Advanced modeling of protein sequence and biophysical properties (such as structural, functional, and spatial information, amino acid conservation, physicochemical variation, residue mobility, and thermodynamic stability) performed at Invitae indicates that this missense variant is not expected to disrupt LZTS1 protein function. This variant has not been reported in the literature in individuals affected with LZTS1-related conditions. This variant is not present in population databases (gnomAD no frequency). This sequence change replaces glutamine, which is neutral and polar, with glutamic acid, which is acidic and polar, at codon 565 of the LZTS1 protein (p.Gln565Glu).

NM_021020.5(LZTS1):c.1693C>G (p.Gln565Glu)

Gene: LZTS1 (leucine zipper tumor suppressor 1; minus strand). Cytogenetic location: 8p21.3.
Variant type: single nucleotide variant.
Coding change: c.1693C>G on transcript NM_021020.5 (MANE Select); coding-DNA position 1693, C replaced by G.
Protein change: p.Gln565Glu; replaces glutamine 565 with glutamic acid.
Molecular consequence: missense variant.
Genome position (GRCh38, 1-based): chr8:20,249,820, G>C on the plus strand (C>G on the coding strand, the complement: LZTS1 is on the minus strand). VCF-style: chr8-20249820-G-C. GRCh37 (hg19) VCF-style: chr8-20107331-G-C.
Other names: c.1693C>G, p.Gln565Glu (NM_001362884.2); short protein forms Q565E.
Identifiers: ClinVar variation 2811524 (VCV002811524.3), dbSNP rs2486295366, ClinGen allele CA370475325.